The following is an entry in ClinVar:

NM_001038603.3(MARVELD2):c.432del (p.Phe144fs)

Gene: MARVELD2 (MARVEL domain containing 2; plus strand). Cytogenetic location: 5q13.2.
Variant type: Deletion.
Coding change: c.432del on transcript NM_001038603.3 (MANE Select); coding-DNA position 432, one base deleted (T; older notation c.432delT).
Protein change: p.Phe144fs; shifts the reading frame from phenylalanine 144.
Molecular consequence: frameshift variant.
Genome position (GRCh38, 1-based): chr5:69,419,817, T deleted; the last of 3 consecutive T bases (chr5:69,419,815-69,419,817); deleting any one gives the same sequence. VCF-style (leftmost placement, unchanged base first): chr5-69419814-CT-C. GRCh37 (hg19) VCF-style: chr5-68715641-CT-C.
Other names: c.432del, p.Phe144fs (NM_001244734.2); short protein forms F144fs.
Identifiers: ClinVar variation 5006918 (VCV005006918.2).

ClinVar aggregate classification (germline): Likely pathogenic (1 of 4 stars; one submission).

Conditions:
Autosomal recessive nonsyndromic hearing loss 49. Also called: Deafness, neurosensory, autosomal recessive 49. Identifiers: Orphanet 90636, MedGen C1857811, MONDO:0012420, OMIM 610153.

Submission:

Juno Genomics, Hangzhou Juno Genomics, Inc
Classification: Likely pathogenic for Autosomal recessive nonsyndromic hearing loss 49. Review status: criteria provided, single submitter. Criteria: ACMG Guidelines, 2015. Collection method: clinical testing. Allele origin: germline.
Comment: Null variant in a gene where loss of function (LOF) is a known mechanism of disease.;Absent from controls (or at extremely low frequency if recessive) in Genome Aggregation Database.